The following is an entry in ClinVar:

NM_015474.4(SAMHD1):c.1537A>C (p.Asn513His)

Gene: SAMHD1 (SAM and HD domain containing deoxynucleoside triphosphate triphosphohydrolase 1; minus strand). Cytogenetic location: 20q11.23.
Variant type: single nucleotide variant.
Coding change: c.1537A>C on transcript NM_015474.4 (MANE Select); coding-DNA position 1537, A replaced by C.
Protein change: p.Asn513His; replaces asparagine 513 with histidine.
Molecular consequence: missense variant. On other transcripts: intron variant (1).
Genome position (GRCh38, 1-based): chr20:36,898,511, T>G on the plus strand (A>C on the coding strand, the complement: SAMHD1 is on the minus strand). VCF-style: chr20-36898511-T-G. GRCh37 (hg19) VCF-style: chr20-35526914-T-G.
Other names: c.1537A>C, p.Asn513His (NM_001363733.2); c.1504-552A>C (NM_001363729.2); short protein forms N513H.
Identifiers: ClinVar variation 2122555 (VCV002122555.4), dbSNP rs2515219124, ClinGen allele CA408840325.

ClinVar aggregate classification (germline): Uncertain significance (1 of 4 stars; one submission).

Conditions:
Aicardi-Goutieres syndrome 5. Identifiers: Orphanet 51, MedGen C2749659, MONDO:0013059, OMIM 612952.

Allele frequency attached by ClinVar (database versions not stated): gnomAD exomes below 0.00001.
gnomAD v4.1: 1 of 1,613,970 alleles (0.000062%); highest among the groups gnomAD compares: Non-Finnish European, 0.000085%; no homozygotes.

Submission:

Labcorp Genetics (formerly Invitae), Labcorp
Classification: Uncertain significance for Aicardi-Goutieres syndrome 5. Last evaluated: 2023-07-17. Review status: criteria provided, single submitter. Criteria: Invitae Variant Classification Sherloc (09022015). Collection method: clinical testing. Allele origin: germline.
Comment: In summary, the available evidence is currently insufficient to determine the role of this variant in disease. Therefore, it has been classified as a Variant of Uncertain Significance. Advanced modeling of protein sequence and biophysical properties (such as structural, functional, and spatial information, amino acid conservation, physicochemical variation, residue mobility, and thermodynamic stability) performed at Invitae indicates that this missense variant is not expected to disrupt SAMHD1 protein function. ClinVar contains an entry for this variant (Variation ID: 2122555). This variant has not been reported in the literature in individuals affected with SAMHD1-related conditions. This variant is not present in population databases (gnomAD no frequency). This sequence change replaces asparagine, which is neutral and polar, with histidine, which is basic and polar, at codon 513 of the SAMHD1 protein (p.Asn513His).